The following is an entry in ClinVar:

ClinVar aggregate classification (germline): Likely pathogenic (1 of 4 stars; one submission).

Submission:

GeneDx
Classification: Likely pathogenic. Last evaluated: 2026-03-20. Review status: criteria provided, single submitter. Criteria: GeneDx Variant Classification Process June 2021. Collection method: clinical testing. Allele origin: germline.
Comment: Not observed at significant frequency in large population cohorts (gnomAD); In silico analysis supports that this missense variant has a deleterious effect on protein structure/function; Has not been previously published as a pathogenic or benign germline variant to our knowledge; This variant is associated with the following publications: (PMID: 27161435, 26437031, 32619424)

NM_024665.7(TBL1XR1):c.740G>A (p.Gly247Glu)

Genes: TBL1XR1 (TBL1X/Y related 1; minus strand), TBL1XR1-AS1 (TBL1XR1 antisense RNA 1; plus strand). Cytogenetic location: 3q26.32.
Variant type: single nucleotide variant.
Coding change: c.740G>A on transcript NM_024665.7 (MANE Select); coding-DNA position 740, G replaced by A.
Protein change: p.Gly247Glu; replaces glycine 247 with glutamic acid.
Molecular consequence: missense variant.
Genome position (GRCh38, 1-based): chr3:177,047,512, C>T on the plus strand (G>A on the coding strand, the complement: TBL1XR1 is on the minus strand). VCF-style: chr3-177047512-C-T. GRCh37 (hg19) VCF-style: chr3-176765300-C-T.
Other names: c.740G>A, p.Gly247Glu (NM_001321193.3, NM_001321194.3, NM_001374327.1 and 2 more transcripts); c.479G>A, p.Gly160Glu (NM_001321195.3, NM_001374330.1); short protein forms G160E, G247E.
Identifiers: ClinVar variation 4976623 (VCV004976623.1).